The following is an entry in ClinVar:

NM_015214.3(DDHD2):c.1720+6T>A

Gene: DDHD2 (DDHD domain containing 2; plus strand). Cytogenetic location: 8p11.23.
Variant type: single nucleotide variant.
Coding change: c.1720+6T>A on transcript NM_015214.3 (MANE Select); 6 bases into the intron after coding-DNA position 1720, T replaced by A.
Molecular consequence: intron variant.
Genome position (GRCh38, 1-based): chr8:38,252,830, T>A. VCF-style: chr8-38252830-T-A. GRCh37 (hg19) VCF-style: chr8-38110348-T-A.
Other names: c.1720+6T>A (NM_001362914.2, NM_001362912.2, NM_001362911.2 and 1 more transcripts); c.1630+6T>A (NM_001362913.2).
Identifiers: ClinVar variation 935792 (VCV000935792.9), dbSNP rs189360898, ClinGen allele CA4716344.

ClinVar aggregate classification (germline): Uncertain significance. Review status: criteria provided, multiple submitters, no conflicts (2 of 4 stars). 3 submissions from 3 submitters: Uncertain significance (2). 1 of the submissions does not count toward it. Last evaluated 2022-08-09.

Conditions:
Hereditary spastic paraplegia 54. Also called: Spastic paraplegia 54, autosomal recessive. Identifiers: Orphanet 320380, MedGen C3539495, MONDO:0014018, OMIM 615033.
DDHD2-related disorder. Also called: DDHD2-related condition.
Hereditary spastic paraplegia. Also called: Familial spastic paraparesis. Identifiers: Orphanet 685, MedGen C0037773, MONDO:0019064. Disease mechanism: loss of function.

Allele frequency attached by ClinVar (database versions not stated): gnomAD exomes 0.00003 and 0.00008; ExAC 0.00011; TOPMed 0.00026; gnomAD 0.00029 and 0.00034; 1000 Genomes Project 30x 0.00031; 1000 Genomes Project 0.00040; ESP Exome Variant Server 0.00054.
gnomAD v4.1: 90 of 1,613,568 alleles (0.0056%); highest among the groups gnomAD compares: African/African-American, 0.092%; no homozygotes.

Submissions (3):

Labcorp Genetics (formerly Invitae), Labcorp
Classification: Uncertain significance for Hereditary spastic paraplegia 54. Last evaluated: 2022-08-09. Review status: criteria provided, single submitter. Criteria: Invitae Variant Classification Sherloc (09022015). Collection method: clinical testing. Allele origin: germline.
Comment: This sequence change falls in intron 14 of the DDHD2 gene. It does not directly change the encoded amino acid sequence of the DDHD2 protein. It affects a nucleotide within the consensus splice site. This variant is present in population databases (rs189360898, gnomAD 0.1%). This variant has not been reported in the literature in individuals affected with DDHD2-related conditions. ClinVar contains an entry for this variant (Variation ID: 935792). Variants that disrupt the consensus splice site are a relatively common cause of aberrant splicing (PMID: 17576681, 9536098). Algorithms developed to predict the effect of sequence changes on RNA splicing suggest that this variant is not likely to affect RNA splicing. In summary, the available evidence is currently insufficient to determine the role of this variant in disease. Therefore, it has been classified as a Variant of Uncertain Significance.

Genome Diagnostics Laboratory, The Hospital for Sick Children
Classification: Uncertain significance for Hereditary spastic paraplegia. Last evaluated: 2018-04-19. Review status: criteria provided, single submitter. Criteria: ACMG Guidelines, 2015. Collection method: clinical testing. Allele origin: germline. Affected: yes.

PreventionGenetics, part of Exact Sciences
Classification: Likely benign for DDHD2-related condition. Last evaluated: 2021-03-29. Review status: no assertion criteria provided. Collection method: clinical testing. Allele origin: germline. Not counted in ClinVar's aggregate classification.
Comment: This variant is classified as likely benign based on ACMG/AMP sequence variant interpretation guidelines (Richards et al. 2015 PMID: 25741868, with internal and published modifications).

Literature cited by the submitters: PubMed 17576681 (cited by Labcorp Genetics (formerly Invitae), Labcorp); PubMed 9536098 (cited by Labcorp Genetics (formerly Invitae), Labcorp).